The following is an entry in ClinVar:

NM_173354.5(SIK1):c.207G>T (p.Glu69Asp)

Gene: SIK1 (salt inducible kinase 1; minus strand). Cytogenetic location: 21q22.3.
Variant type: single nucleotide variant.
Coding change: c.207G>T on transcript NM_173354.5 (MANE Select); coding-DNA position 207, G replaced by T.
Protein change: p.Glu69Asp; replaces glutamic acid 69 with aspartic acid.
Molecular consequence: missense variant.
Genome position (GRCh38, 1-based): chr21:43,425,473, C>A on the plus strand (G>T on the coding strand, the complement: SIK1 is on the minus strand). VCF-style: chr21-43425473-C-A. GRCh37 (hg19) VCF-style: chr21-44845353-C-A.
Other names: short protein forms E69D.
Identifiers: ClinVar variation 4856292 (VCV004856292.1).

ClinVar aggregate classification (germline): Uncertain significance (1 of 4 stars; one submission).

Conditions:
Developmental and epileptic encephalopathy, 30 (DEE30). Also called: Epileptic encephalopathy, early infantile, 30. Identifiers: MedGen C4225360, MONDO:0014595, OMIM 616341.

Submission:

3billion
Classification: Uncertain significance for Developmental and epileptic encephalopathy, 30. Last evaluated: 2025-09-17. Review status: criteria provided, single submitter. Criteria: ACMG Guidelines, 2015. Collection method: clinical testing. Allele origin: germline. Affected: yes.
Comment: The variant is not observed in the gnomAD v4.1.0 dataset. Predicted Consequence/Location: Missense variant In silico tool predictions suggest damaging effect of the variant on gene or gene product [ 3Cnet: 0.95 (> 0.75, sensitivity 0.96 and precision 0.92)]. Therefore, this variant is classified as VUS according to the recommendation of ACMG/AMP guideline.